The following is an entry in ClinVar:

NM_014946.4(SPAST):c.1081C>T (p.Pro361Ser)

Gene: SPAST (spastin; plus strand). Cytogenetic location: 2p22.3.
Variant type: single nucleotide variant.
Coding change: c.1081C>T on transcript NM_014946.4 (MANE Select); coding-DNA position 1081, C replaced by T.
Protein change: p.Pro361Ser; replaces proline 361 with serine.
Molecular consequence: missense variant.
Genome position (GRCh38, 1-based): chr2:32,116,195, C>T. VCF-style: chr2-32116195-C-T. GRCh37 (hg19) VCF-style: chr2-32341264-C-T.
Other names: c.1078C>T, p.Pro360Ser (NM_001363823.2); c.982C>T, p.Pro328Ser (NM_001363875.2); c.985C>T, p.Pro329Ser (NM_001377959.1, NM_199436.2); short protein forms P328S, P361S, P329S, P360S.
Identifiers: ClinVar variation 1401411 (VCV001401411.9), dbSNP rs1553315350, ClinGen allele CA346499830.

ClinVar aggregate classification (germline): Pathogenic. Review status: criteria provided, multiple submitters, no conflicts (2 of 4 stars). 2 submissions from 2 submitters: Pathogenic (2). Last evaluated 2021-07-26.

Conditions:
Hereditary spastic paraplegia 4. Also called: Spastic paraplegia 4, autosomal dominant; Familial spastic paraplegia autosomal dominant 2; Spastic Paraplegia 4. Identifiers: Orphanet 100985, MedGen C1866855, MONDO:0008438, OMIM 182601.

Submissions (2):

Labcorp Genetics (formerly Invitae), Labcorp
Classification: Pathogenic for Hereditary spastic paraplegia 4. Last evaluated: 2021-07-26. Review status: criteria provided, single submitter. Criteria: Invitae Variant Classification Sherloc (09022015). Collection method: clinical testing. Allele origin: germline.
Comment: Advanced modeling of protein sequence and biophysical properties (such as structural, functional, and spatial information, amino acid conservation, physicochemical variation, residue mobility, and thermodynamic stability) performed at Invitae indicates that this missense variant is expected to disrupt SPAST protein function. This variant has been observed in individual(s) with autosomal dominant hereditary spastic paraplegia (PMID: 18701882, 25341883, Invitae). This variant is not present in population databases (ExAC no frequency). This sequence change replaces proline with serine at codon 361 of the SPAST protein (p.Pro361Ser). The proline residue is highly conserved and there is a moderate physicochemical difference between proline and serine. For these reasons, this variant has been classified as Pathogenic. This variant disrupts the p.Pro361 amino acid residue in SPAST. Other variant(s) that disrupt this residue have been observed in individuals with SPAST-related conditions (PMID: 16788734, 19494379), which suggests that this may be a clinically significant amino acid residue.

Neuberg Centre For Genomic Medicine, NCGM
Classification: Pathogenic for Hereditary spastic paraplegia 4. Review status: criteria provided, single submitter. Criteria: ACMG Guidelines, 2015. Collection method: clinical testing. Allele origin: germline. Inheritance: Autosomal dominant inheritance. Affected: yes.
Comment: The observed missense variant c.1081C>T(p.Pro361Ser) in SPAST gene has been reported previously in individuals with spastic paraplegia (Shoukier M, et al., 2009). This variant disrupts the p.Pro361 amino acid residue in SPAST. Other variants that disrupt this residue has been observed in individuals with SPAST-related conditions (Luo Y, et al., 2014).The c.1081C>T variant is absent in gnomAD Exomes. This variant has been reported to the ClinVar database as Pathogenic. The amino acid Proline at position 361 is changed to a Serine changing protein sequence and it might alter its composition and physico-chemical properties. Multiple lines of computational evidence (Polyphen, SIFT and MutationTaster) predict a damaging effect on protein structure and function for this variant. The amino acid change p.Pro361Ser in SPAST is predicted as conserved by GERP++ and PhyloP across 100 vertebrates. For these reasons, this variant has been classified as Pathogenic.

Literature cited by the submitters: PubMed 18701882 (cited by Labcorp Genetics (formerly Invitae), Labcorp); PubMed 25341883 (cited by Labcorp Genetics (formerly Invitae), Labcorp); PubMed 16788734 (cited by Labcorp Genetics (formerly Invitae), Labcorp); PubMed 19494379 (cited by Labcorp Genetics (formerly Invitae), Labcorp).